The following is an entry in ClinVar:

NM_001377.3(DYNC2H1):c.10602dup (p.Gln3535fs)

Gene: DYNC2H1 (dynein cytoplasmic 2 heavy chain 1; plus strand). Cytogenetic location: 11q22.3.
Variant type: Duplication.
Coding change: c.10602dup on transcript NM_001377.3 (MANE Select); coding-DNA position 10602, one base duplicated (A; older notation c.10602dupA).
Protein change: p.Gln3535fs; shifts the reading frame from glutamine 3535.
Molecular consequence: frameshift variant.
Genome position (GRCh38, 1-based): chr11:103,257,748, A duplicated; the last of 3 consecutive A bases (chr11:103,257,746-103,257,748); duplicating any one gives the same sequence. VCF-style (leftmost placement, unchanged base first): chr11-103257745-C-CA. GRCh37 (hg19) VCF-style: chr11-103128474-C-CA.
Other names: c.10623dup, p.Gln3542fs (NM_001080463.2); short protein forms Q3535fs, Q3542fs.
Identifiers: ClinVar variation 5015262 (VCV005015262.1).

ClinVar aggregate classification (germline): Pathogenic (1 of 4 stars; one submission).

Conditions:
Asphyxiating thoracic dystrophy 3. Also called: SHORT-RIB THORACIC DYSPLASIA 3 WITH OR WITHOUT POLYDACTYLY; POLYDACTYLY WITH NEONATAL CHONDRODYSTROPHY, TYPE I; SHORT-RIB THORACIC DYSPLASIA 3/6 WITH POLYDACTYLY, DIGENIC; Short rib polydactyly syndrome 2B; Saldino-Noonan Syndrome. Identifiers: Orphanet 474, Orphanet 93269, Orphanet 93270, Orphanet 93271, MedGen C0036069, MONDO:0013127, OMIM 613091.

Submission:

Myriad Genetics, Inc.
Classification: Pathogenic for Asphyxiating thoracic dystrophy 3. Last evaluated: 2025-11-25. Review status: criteria provided, single submitter. Criteria: Myriad Autosomal Dominant, Autosomal Recessive and X-Linked Classification Criteria (2023). Collection method: clinical testing. Allele origin: unknown.
Comment: NM_001377.2(DYNC2H1):c.10602dupA(Q3535Tfs*4) is expected to be pathogenic in the context of DYNC2H1-related disorders. This variant is predicted to lead to an abnormal or absent protein product due to the creation of a premature termination codon in DYNC2H1, a gene where loss-of-function variants are known to be pathogenic. Please note: this variant was assessed in the context of healthy population screening.